The following is an entry in ClinVar:

NM_033641.4(COL4A6):c.3008C>G (p.Pro1003Arg)

Gene: COL4A6 (collagen type IV alpha 6 chain; minus strand). Cytogenetic location: Xq22.3.
Variant type: single nucleotide variant.
Coding change: c.3008C>G on transcript NM_033641.4 (MANE Select); coding-DNA position 3008, C replaced by G.
Protein change: p.Pro1003Arg; replaces proline 1003 with arginine.
Molecular consequence: missense variant.
Genome position (GRCh38, 1-based): chrX:108,174,570, G>C on the plus strand (C>G on the coding strand, the complement: COL4A6 is on the minus strand). VCF-style: chrX-108174570-G-C. GRCh37 (hg19) VCF-style: chrX-107417800-G-C.
Other names: c.3059C>G, p.Pro1020Arg (NM_001287758.2); c.3008C>G, p.Pro1003Arg (NM_001287759.2, NM_001287760.2); c.3011C>G, p.Pro1004Arg (NM_001847.4); short protein forms P1020R, P1003R, P1004R.
Identifiers: ClinVar variation 2807099 (VCV002807099.3), dbSNP rs1293270466, ClinGen allele CA413857008.
Genomic context (GRCh38, chrX:108,174,570, plus strand): 5'-CCCATGAAGCCAGGGGGCCCTGGCTTTCCACTAACTCCTTTGATAATGCCTGGGAGGCCA[G>C]GAGCTCCAGGTAGGCCTGGTGGTCCAGGTCGACCAGCCTCTCCTTTGTCACCTGTAAAAG-3'
Protein context (NP_378667.1, residues 993-1013): RPGPPGLPGA[Pro1003Arg]GLPGIIKGVS

ClinVar aggregate classification (germline): Uncertain significance (1 of 4 stars; one submission).

Allele frequency attached by ClinVar (database versions not stated): gnomAD exomes below 0.00001.
gnomAD v4.1: 4 of 1,204,966 alleles (0.00033%); highest among the groups gnomAD compares: South Asian, 0.0072%; no homozygotes.

Submission:

Labcorp Genetics (formerly Invitae), Labcorp
Classification: Uncertain significance. Last evaluated: 2023-05-11. Review status: criteria provided, single submitter. Criteria: Invitae Variant Classification Sherloc (09022015). Collection method: clinical testing. Allele origin: germline.
Comment: Advanced modeling of protein sequence and biophysical properties (such as structural, functional, and spatial information, amino acid conservation, physicochemical variation, residue mobility, and thermodynamic stability) performed at Invitae indicates that this missense variant is not expected to disrupt COL4A6 protein function. In summary, the available evidence is currently insufficient to determine the role of this variant in disease. Therefore, it has been classified as a Variant of Uncertain Significance. This variant has not been reported in the literature in individuals affected with COL4A6-related conditions. This variant is present in population databases (no rsID available, gnomAD 0.006%). This sequence change replaces proline, which is neutral and non-polar, with arginine, which is basic and polar, at codon 1004 of the COL4A6 protein (p.Pro1004Arg).